The following is an entry in ClinVar:

ClinVar aggregate classification (germline): Uncertain significance (1 of 4 stars; one submission).

Submission:

GeneDx
Classification: Uncertain significance. Last evaluated: 2023-06-16. Review status: criteria provided, single submitter. Criteria: GeneDx Variant Classification Process June 2021. Collection method: clinical testing. Allele origin: germline. Affected: yes.
Comment: Has not been previously published as pathogenic or benign to our knowledge; Not observed at significant frequency in large population cohorts (gnomAD); In silico analysis supports that this missense variant does not alter protein structure/function

NM_006922.4(SCN3A):c.4825A>C (p.Met1609Leu)

Gene: SCN3A (sodium voltage-gated channel alpha subunit 3; minus strand). Cytogenetic location: 2q24.3.
Variant type: single nucleotide variant.
Coding change: c.4825A>C on transcript NM_006922.4 (MANE Select); coding-DNA position 4825, A replaced by C.
Protein change: p.Met1609Leu; replaces methionine 1609 with leucine.
Molecular consequence: missense variant.
Genome position (GRCh38, 1-based): chr2:165,091,328, T>G on the plus strand (A>C on the coding strand, the complement: SCN3A is on the minus strand). VCF-style: chr2-165091328-T-G. GRCh37 (hg19) VCF-style: chr2-165947838-T-G.
Other names: c.4678A>C, p.Met1560Leu (NM_001081676.2, NM_001081677.2); short protein forms M1560L, M1609L.
Identifiers: ClinVar variation 3359769 (VCV003359769.1).